The following is an entry in ClinVar:

ClinVar aggregate classification (germline): Uncertain significance (1 of 4 stars; one submission).

Submission:

CeGaT Center for Human Genetics Tuebingen
Classification: Uncertain significance. Last evaluated: 2024-02-01. Review status: criteria provided, single submitter. Criteria: CeGaT Center For Human Genetics Tuebingen Variant Classification Criteria Version 2. Collection method: clinical testing. Allele origin: germline. Affected: yes. Observed: 1 variant allele.
Comment: IRF2BP2: PM2, PP3

NM_182972.3(IRF2BP2):c.1588T>C (p.Cys530Arg)

Gene: IRF2BP2 (interferon regulatory factor 2 binding protein 2; minus strand). Cytogenetic location: 1q42.3.
Variant type: single nucleotide variant.
Coding change: c.1588T>C on transcript NM_182972.3 (MANE Select); coding-DNA position 1588, T replaced by C.
Protein change: p.Cys530Arg; replaces cysteine 530 with arginine.
Molecular consequence: missense variant.
Genome position (GRCh38, 1-based): chr1:234,607,313, A>G on the plus strand (T>C on the coding strand, the complement: IRF2BP2 is on the minus strand). VCF-style: chr1-234607313-A-G. GRCh37 (hg19) VCF-style: chr1-234743059-A-G.
Other names: c.1540T>C, p.Cys514Arg (NM_001077397.1); short protein forms C514R, C530R.
Identifiers: ClinVar variation 3027150 (VCV003027150.22), dbSNP rs2528513319, ClinGen allele CA345305174.